The following is an entry in ClinVar:

NM_170754.4(TNS2):c.3791G>C (p.Ser1264Thr)

Gene: TNS2 (tensin 2; plus strand). Cytogenetic location: 12q13.13.
Variant type: single nucleotide variant.
Coding change: c.3791G>C on transcript NM_170754.4 (MANE Select); coding-DNA position 3791, G replaced by C.
Protein change: p.Ser1264Thr; replaces serine 1264 with threonine.
Molecular consequence: missense variant.
Genome position (GRCh38, 1-based): chr12:53,062,665, G>C. VCF-style: chr12-53062665-G-C. GRCh37 (hg19) VCF-style: chr12-53456449-G-C.
Other names: c.3791G>C, p.Ser1264Thr (NM_001416202.1); c.3749G>C, p.Ser1250Thr (NM_001416203.1); c.3818G>C, p.Ser1273Thr (NM_001416204.1); c.3722G>C, p.Ser1241Thr (NM_015319.3); c.3419G>C, p.Ser1140Thr (NM_198316.2); short protein forms S1241T, S1140T, S1250T, S1264T, S1273T.
Identifiers: ClinVar variation 3692485 (VCV003692485.2).

ClinVar aggregate classification (germline): Uncertain significance (1 of 4 stars; one submission).

gnomAD v4.1: 19 of 1,613,886 alleles (0.0012%); highest among the groups gnomAD compares: Non-Finnish European, 0.0014%; no homozygotes.

Submission:

Labcorp Genetics (formerly Invitae), Labcorp
Classification: Uncertain significance. Last evaluated: 2024-11-19. Review status: criteria provided, single submitter. Criteria: Invitae Variant Classification Sherloc (09022015). Collection method: clinical testing. Allele origin: germline.
Comment: This sequence change replaces serine, which is neutral and polar, with threonine, which is neutral and polar, at codon 1274 of the TNS2 protein (p.Ser1274Thr). This variant is present in population databases (no rsID available, gnomAD 0.007%). This variant has not been reported in the literature in individuals affected with TNS2-related conditions. An algorithm developed to predict the effect of missense changes on protein structure and function (PolyPhen-2) suggests that this variant is likely to be disruptive. In summary, the available evidence is currently insufficient to determine the role of this variant in disease. Therefore, it has been classified as a Variant of Uncertain Significance.